The following is an entry in ClinVar:

ClinVar aggregate classification (germline): Uncertain significance (1 of 4 stars; one submission).

Allele frequency attached by ClinVar (database versions not stated): gnomAD exomes 0.00001; ExAC 0.00002; gnomAD 0.00002 and 0.00004; TOPMed 0.00003.
gnomAD v4.1: 21 of 1,614,228 alleles (0.0013%); highest among the groups gnomAD compares: East Asian, 0.025%; no homozygotes.

Submission:

Labcorp Genetics (formerly Invitae), Labcorp
Classification: Uncertain significance. Last evaluated: 2025-03-17. Review status: criteria provided, single submitter. Criteria: Invitae Variant Classification Sherloc (09022015). Collection method: clinical testing. Allele origin: germline.
Comment: This sequence change replaces leucine, which is neutral and non-polar, with proline, which is neutral and non-polar, at codon 18 of the UCP2 protein (p.Leu18Pro). This variant is present in population databases (rs747409980, gnomAD 0.01%). This variant has not been reported in the literature in individuals affected with UCP2-related conditions. ClinVar contains an entry for this variant (Variation ID: 1441251). An algorithm developed to predict the effect of missense changes on protein structure and function (PolyPhen-2) suggests that this variant is likely to be tolerated. In summary, the available evidence is currently insufficient to determine the role of this variant in disease. Therefore, it has been classified as a Variant of Uncertain Significance.

NM_003355.3(UCP2):c.53T>C (p.Leu18Pro)

Gene: UCP2 (uncoupling protein 2; minus strand). Cytogenetic location: 11q13.4.
Variant type: single nucleotide variant.
Coding change: c.53T>C on transcript NM_003355.3 (MANE Select); coding-DNA position 53, T replaced by C.
Protein change: p.Leu18Pro; replaces leucine 18 with proline.
Molecular consequence: missense variant.
Genome position (GRCh38, 1-based): chr11:73,978,326, A>G on the plus strand (T>C on the coding strand, the complement: UCP2 is on the minus strand). VCF-style: chr11-73978326-A-G. GRCh37 (hg19) VCF-style: chr11-73689371-A-G.
Other names: c.53T>C, p.Leu18Pro (NM_001381943.1, NM_001381944.1, NM_001381945.1 and 4 more transcripts); short protein forms L18P.
Identifiers: ClinVar variation 1441251 (VCV001441251.6), dbSNP rs747409980, ClinGen allele CA6181273.
Genomic context (GRCh38, chr11:73,978,326, plus strand): 5'-TTAGCAGTATCCAGAGGAAAGGTGATGAGATCTGCGATGCAGGCAGCTGTGCCAGCCCCA[A>G]GAAACTTCACAGTGGCAGTAGGGGGCACATCTGTGGCCTTGAACCCAACCATGATGCTGA-3'
Protein context (NP_003346.2, residues 8-28): DVPPTATVKF[Leu18Pro]GAGTAACIAD